The following is an entry in ClinVar:

NM_001372.4(DNAH9):c.12668C>T (p.Ala4223Val)

Gene: DNAH9 (dynein axonemal heavy chain 9; plus strand). Cytogenetic location: 17p12.
Variant type: single nucleotide variant.
Coding change: c.12668C>T on transcript NM_001372.4 (MANE Select); coding-DNA position 12668, C replaced by T.
Protein change: p.Ala4223Val; replaces alanine 4223 with valine.
Molecular consequence: missense variant.
Genome position (GRCh38, 1-based): chr17:11,942,310, C>T. VCF-style: chr17-11942310-C-T. GRCh37 (hg19) VCF-style: chr17-11845627-C-T.
Other names: c.1604C>T, p.Ala535Val (NM_004662.2); short protein forms A4223V, A535V.
Identifiers: ClinVar variation 2880334 (VCV002880334.3), dbSNP rs2544914133, ClinGen allele CA398214077.

ClinVar aggregate classification (germline): Uncertain significance (1 of 4 stars; one submission).

Submission:

Labcorp Genetics (formerly Invitae), Labcorp
Classification: Uncertain significance. Last evaluated: 2024-10-22. Review status: criteria provided, single submitter. Criteria: Invitae Variant Classification Sherloc (09022015). Collection method: clinical testing. Allele origin: germline.
Comment: This sequence change replaces alanine, which is neutral and non-polar, with valine, which is neutral and non-polar, at codon 4223 of the DNAH9 protein (p.Ala4223Val). This variant is not present in population databases (gnomAD no frequency). This variant has not been reported in the literature in individuals affected with DNAH9-related conditions. Invitae Evidence Modeling of protein sequence and biophysical properties (such as structural, functional, and spatial information, amino acid conservation, physicochemical variation, residue mobility, and thermodynamic stability) indicates that this missense variant is not expected to disrupt DNAH9 protein function with a negative predictive value of 80%. In summary, the available evidence is currently insufficient to determine the role of this variant in disease. Therefore, it has been classified as a Variant of Uncertain Significance.